The following is an entry in ClinVar:

ClinVar aggregate classification (germline): Uncertain significance. Review status: criteria provided, multiple submitters, no conflicts (2 of 4 stars). 2 submissions from 2 submitters: Uncertain significance (2). Last evaluated 2025-10-26.

Conditions:
Sengers syndrome. Also called: Cardiomyopathy and cataract; MITOCHONDRIAL DNA DEPLETION SYNDROME 10 (CARDIOMYOPATHIC TYPE). Identifiers: Orphanet 1369, MedGen C1859317, MONDO:0008922, OMIM 212350.
Cataract 38. Also called: Cataract, autosomal recessive congenital 5; Cataract 38, autosomal recessive. Identifiers: Orphanet 91492, MedGen C3553494, MONDO:0013859, OMIM 614691.

Allele frequency attached by ClinVar (database versions not stated): gnomAD 0.00001; gnomAD exomes 0.00001; TOPMed 0.00001.
gnomAD v4.1: 20 of 1,573,974 alleles (0.0013%); highest among the groups gnomAD compares: South Asian, 0.0023%; no homozygotes.

Submissions (2):

Labcorp Genetics (formerly Invitae), Labcorp
Classification: Uncertain significance for Sengers syndrome; Cataract 38. Last evaluated: 2025-10-26. Review status: criteria provided, single submitter. Criteria: Invitae Variant Classification Sherloc (09022015). Collection method: clinical testing. Allele origin: germline.
Comment: This sequence change replaces leucine, which is neutral and non-polar, with proline, which is neutral and non-polar, at codon 294 of the AGK protein (p.Leu294Pro). This variant is not present in population databases (gnomAD no frequency). This variant has not been reported in the literature in individuals affected with AGK-related conditions. ClinVar contains an entry for this variant (Variation ID: 214071). Invitae Evidence Modeling of protein sequence and biophysical properties (such as structural, functional, and spatial information, amino acid conservation, physicochemical variation, residue mobility, and thermodynamic stability) indicates that this missense variant is not expected to disrupt AGK protein function with a negative predictive value of 80%. In summary, the available evidence is currently insufficient to determine the role of this variant in disease. Therefore, it has been classified as a Variant of Uncertain Significance.

GeneDx
Classification: Uncertain significance. Last evaluated: 2022-05-18. Review status: criteria provided, single submitter. Criteria: GeneDx Variant Classification Process June 2021. Collection method: clinical testing. Allele origin: germline. Affected: yes.
Comment: See Variant Classification Assertion Criteria.

NM_018238.4(AGK):c.881T>C (p.Leu294Pro)

Gene: AGK (acylglycerol kinase; plus strand). Cytogenetic location: 7q34.
Variant type: single nucleotide variant.
Coding change: c.881T>C on transcript NM_018238.4 (MANE Select); coding-DNA position 881, T replaced by C.
Protein change: p.Leu294Pro; replaces leucine 294 with proline.
Molecular consequence: missense variant.
Genome position (GRCh38, 1-based): chr7:141,641,814, T>C. VCF-style: chr7-141641814-T-C. GRCh37 (hg19) VCF-style: chr7-141341614-T-C.
Other names: p.L294P:CTT>CCT; c.881T>C, p.Leu294Pro (NM_001364948.3); short protein forms L294P.
Identifiers: ClinVar variation 214071 (VCV000214071.7), dbSNP rs863223893, ClinGen allele CA321115.